The following is an entry in ClinVar:

NM_000051.4(ATM):c.2838+9C>T

Gene: ATM (ATM serine/threonine kinase; plus strand). Cytogenetic location: 11q22.3.
Variant type: single nucleotide variant.
Coding change: c.2838+9C>T on transcript NM_000051.4 (MANE Select); 9 bases into the intron after coding-DNA position 2838, C replaced by T.
Molecular consequence: intron variant.
Genome position (GRCh38, 1-based): chr11:108,268,618, C>T. VCF-style: chr11-108268618-C-T. GRCh37 (hg19) VCF-style: chr11-108139345-C-T.
Other names: c.2838+9C>T (NM_001351834.2).
Identifiers: ClinVar variation 414559 (VCV000414559.20), dbSNP rs370160823, ClinGen allele CA6265121.

ClinVar aggregate classification (germline): Likely benign. Review status: criteria provided, multiple submitters, no conflicts (2 of 4 stars). 5 submissions from 5 submitters: Likely benign (4). 1 of the submissions does not count toward it. Last evaluated 2026-01-13.

Conditions:
ATM-related disorder. Also called: ATM-related disorders; ATM-related condition.
Hereditary cancer-predisposing syndrome. Also called: Tumor predisposition; Neoplastic Syndromes, Hereditary; Hereditary Cancer Syndrome; Hereditary neoplastic syndrome. Identifiers: Orphanet 140162, MedGen C0027672, MeSH D009386, MONDO:0015356.
Familial cancer of breast. Also called: Hereditary breast cancer; BREAST CANCER, FAMILIAL; hereditary breast carcinoma. Identifiers: Orphanet 227535, MedGen C0346153, MONDO:0016419, OMIM 114480. Disease mechanism: loss of function.
Ataxia-telangiectasia syndrome (AT). Also called: Ataxia-telangiectasia; Cerebello-oculocutaneous telangiectasia; Immunodeficiency with ataxia telangiectasia; ATAXIA-TELANGIECTASIA, COMPLEMENTATION GROUP A; ATAXIA-TELANGIECTASIA, FRESNO VARIANT; Ataxia-telangiectasia, complementation group D. Identifiers: Orphanet 100, MedGen C0004135, MONDO:0008840, OMIM 208900.

gnomAD v4.1: 10 of 1,612,674 alleles (0.00062%); highest among the groups gnomAD compares: East Asian, 0.0089%; no homozygotes.

Submissions (5):

Labcorp Genetics (formerly Invitae), Labcorp
Classification: Likely benign for Ataxia-telangiectasia syndrome. Last evaluated: 2026-01-13. Review status: criteria provided, single submitter. Criteria: Invitae Variant Classification Sherloc (09022015). Collection method: clinical testing. Allele origin: germline.

Women's Health and Genetics/Laboratory Corporation of America, LabCorp
Classification: Likely benign. Last evaluated: 2024-12-16. Review status: criteria provided, single submitter. Criteria: LabCorp Variant Classification Summary - May 2015. Collection method: clinical testing. Allele origin: germline.
Comment: Variant summary: ATM c.2838+9C>T alters a non-conserved nucleotide located at a position not widely known to affect splicing. Consensus agreement among computation tools predict no significant impact on normal splicing. However, these predictions have yet to be confirmed by functional studies. The variant allele was found at a frequency of 2.4e-05 in 251112 control chromosomes. The available data on variant occurrences in the general population are insufficient to allow any conclusion about variant significance. To our knowledge, no occurrence of c.2838+9C>T in individuals affected with Breast Cancer and no experimental evidence demonstrating its impact on protein function have been reported. ClinVar contains an entry for this variant (Variation ID: 414559). Based on the evidence outlined above, the variant was classified as likely benign.

Myriad Genetics, Inc.
Classification: Likely benign for Familial cancer of breast. Last evaluated: 2024-05-10. Review status: criteria provided, single submitter. Criteria: Myriad Autosomal Dominant, Autosomal Recessive and X-Linked Classification Criteria (2023). Collection method: clinical testing. Allele origin: unknown.
Comment: This variant is considered likely benign. This variant is intronic and is not expected to impact mRNA splicing.

Color Diagnostics, LLC DBA Color Health
Classification: Likely benign for Hereditary cancer-predisposing syndrome. Last evaluated: 2017-01-12. Review status: criteria provided, single submitter. Criteria: ACMG Guidelines, 2015. Collection method: clinical testing. Allele origin: germline.

PreventionGenetics, part of Exact Sciences
Classification: Likely benign for ATM-related condition. Last evaluated: 2023-05-09. Review status: no assertion criteria provided. Collection method: clinical testing. Allele origin: germline. Not counted in ClinVar's aggregate classification.
Comment: This variant is classified as likely benign based on ACMG/AMP sequence variant interpretation guidelines (Richards et al. 2015 PMID: 25741868, with internal and published modifications).